The following is an entry in ClinVar:

ClinVar aggregate classification (germline): Uncertain significance (1 of 4 stars; one submission).

Conditions:
Hereditary cancer-predisposing syndrome. Also called: Neoplastic Syndromes, Hereditary; Hereditary Cancer Syndrome; Tumor predisposition; Hereditary neoplastic syndrome. Identifiers: Orphanet 140162, MedGen C0027672, MeSH D009386, MONDO:0015356.

Submission:

Ambry Genetics
Classification: Uncertain significance for Hereditary cancer-predisposing syndrome. Last evaluated: 2025-02-16. Review status: criteria provided, single submitter. Criteria: Ambry Variant Classification Scheme 2023. Collection method: clinical testing. Allele origin: germline.
Comment: The p.P1276S variant (also known as c.3826C>T), located in coding exon 26 of the SMARCA4 gene, results from a C to T substitution at nucleotide position 3826. The proline at codon 1276 is replaced by serine, an amino acid with similar properties. This amino acid position is conserved. In addition, this alteration is predicted to be tolerated by in silico analysis. Based on the available evidence, the clinical significance of this variant remains unclear.

NM_003072.5(SMARCA4):c.3826C>T (p.Pro1276Ser)

Gene: SMARCA4 (SWI/SNF related BAF chromatin remodeling complex subunit ATPase 4; plus strand). Cytogenetic location: 19p13.2.
Variant type: single nucleotide variant.
Coding change: c.3826C>T on transcript NM_003072.5 (MANE Select); coding-DNA position 3826, C replaced by T.
Protein change: p.Pro1276Ser; replaces proline 1276 with serine.
Molecular consequence: missense variant. On other transcripts: intron variant (6).
Genome position (GRCh38, 1-based): chr19:11,033,818, C>T. VCF-style: chr19-11033818-C-T. GRCh37 (hg19) VCF-style: chr19-11144494-C-T.
Other names: c.3826C>T, p.Pro1276Ser (NM_001128844.3, NM_001128849.3, NM_001387283.1); c.3774+301C>T (NM_001128847.4, NM_001411150.1, NM_001374457.1 and 3 more transcripts); short protein forms P1276S.
Identifiers: ClinVar variation 3798920 (VCV003798920.1).